The following is an entry in ClinVar:

NM_000384.3(APOB):c.1314C>G (p.Ser438Arg)

Gene: APOB (apolipoprotein B; minus strand). Cytogenetic location: 2p24.1.
Variant type: single nucleotide variant.
Coding change: c.1314C>G on transcript NM_000384.3 (MANE Select); coding-DNA position 1314, C replaced by G.
Protein change: p.Ser438Arg; replaces serine 438 with arginine.
Molecular consequence: missense variant.
Genome position (GRCh38, 1-based): chr2:21,032,392, G>C on the plus strand (C>G on the coding strand, the complement: APOB is on the minus strand). VCF-style: chr2-21032392-G-C. GRCh37 (hg19) VCF-style: chr2-21255264-G-C.
Other names: short protein forms S438R.
Identifiers: ClinVar variation 4842886 (VCV004842886.1).

ClinVar aggregate classification (germline): Uncertain significance (1 of 4 stars; one submission).

Conditions:
Cardiovascular phenotype. Identifiers: MedGen CN230736.

Submission:

Ambry Genetics
Classification: Uncertain significance for Cardiovascular phenotype. Last evaluated: 2025-12-30. Review status: criteria provided, single submitter. Criteria: Ambry Variant Classification Scheme 2023. Collection method: clinical testing. Allele origin: germline.
Comment: The p.S438R variant (also known as c.1314C>G), located in coding exon 10 of the APOB gene, results from a C to G substitution at nucleotide position 1314. The serine at codon 438 is replaced by arginine, an amino acid with dissimilar properties. This amino acid position is conserved. In addition, the in silico prediction for this alteration is inconclusive. Based on the available evidence, the clinical significance of this variant remains unclear.